The following is an entry in ClinVar:

NM_006648.4(WNK2):c.4453C>G (p.His1485Asp)

Gene: WNK2 (WNK lysine deficient protein kinase 2; plus strand). Cytogenetic location: 9q22.31.
Variant type: single nucleotide variant.
Coding change: c.4453C>G on transcript NM_006648.4 (MANE Select); coding-DNA position 4453, C replaced by G.
Protein change: p.His1485Asp; replaces histidine 1485 with aspartic acid.
Molecular consequence: missense variant.
Genome position (GRCh38, 1-based): chr9:93,289,207, C>G. VCF-style: chr9-93289207-C-G. GRCh37 (hg19) VCF-style: chr9-96051489-C-G.
Other names: c.4564C>G, p.His1522Asp (NM_001282394.3); short protein forms H1522D, H1485D.
Identifiers: ClinVar variation 3816445 (VCV003816445.1).
Genomic context (GRCh38, chr9:93,289,207, plus strand): 5'-ACCAGGGACGCCAGTGCCCCAAGGGAGCCCCTGCCACCTCCTGCACCTGAGCCCAGCCCC[C>G]ACAGCGGGACCCCACAGCCCGCCTTGGGTCAACCTGCTCCCCTGCTTCCTGCCGCAGTGG-3'
Protein context (NP_006639.3, residues 1475-1495): LPPPAPEPSP[His1485Asp]SGTPQPALGQ

ClinVar aggregate classification (germline): Uncertain significance (1 of 4 stars; one submission).

gnomAD v4.1: 1 of 1,603,642 alleles (0.000062%); highest among the groups gnomAD compares: Non-Finnish European, 0.000085%; no homozygotes.

Submission:

Ambry Genetics
Classification: Uncertain significance. Last evaluated: 2024-12-12. Review status: criteria provided, single submitter. Criteria: Ambry Variant Classification Scheme 2023. Collection method: clinical testing. Allele origin: germline.
Comment: The p.H1485D variant (also known as c.4453C>G), located in coding exon 19 of the WNK2 gene, results from a C to G substitution at nucleotide position 4453. The histidine at codon 1485 is replaced by aspartic acid, an amino acid with similar properties. This amino acid position is conserved. In addition, this alteration is predicted to be tolerated by in silico analysis. Based on the available evidence, the clinical significance of this variant remains unclear.